The following is an entry in ClinVar:

NM_001184.4(ATR):c.7261C>G (p.Leu2421Val)

Gene: ATR (ATR serine/threonine kinase; minus strand). Cytogenetic location: 3q23.
Variant type: single nucleotide variant.
Coding change: c.7261C>G on transcript NM_001184.4 (MANE Select); coding-DNA position 7261, C replaced by G.
Protein change: p.Leu2421Val; replaces leucine 2421 with valine.
Molecular consequence: missense variant.
Genome position (GRCh38, 1-based): chr3:142,459,315, G>C on the plus strand (C>G on the coding strand, the complement: ATR is on the minus strand). VCF-style: chr3-142459315-G-C. GRCh37 (hg19) VCF-style: chr3-142178157-G-C.
Other names: c.7069C>G, p.Leu2357Val (NM_001354579.2); short protein forms L2357V, L2421V.
Identifiers: ClinVar variation 3463185 (VCV003463185.1).

ClinVar aggregate classification (germline): Uncertain significance (1 of 4 stars; one submission).

Conditions:
Inborn genetic diseases. Identifiers: MedGen C0950123, MeSH D030342.

Submission:

Ambry Genetics
Classification: Uncertain significance for Inborn genetic diseases. Last evaluated: 2024-10-24. Review status: criteria provided, single submitter. Criteria: Ambry Variant Classification Scheme 2023. Collection method: clinical testing. Allele origin: germline.
Comment: The p.L2421V variant (also known as c.7261C>G), located in coding exon 43 of the ATR gene, results from a C to G substitution at nucleotide position 7261. The leucine at codon 2421 is replaced by valine, an amino acid with highly similar properties. This amino acid position is conserved. In addition, this alteration is predicted to be tolerated by in silico analysis. Based on the available evidence, the clinical significance of this variant remains unclear.